The following is an entry in ClinVar:

NM_005502.4(ABCA1):c.5261A>G (p.Tyr1754Cys)

Gene: ABCA1 (ATP binding cassette subfamily A member 1; minus strand). Cytogenetic location: 9q31.1.
Variant type: single nucleotide variant.
Coding change: c.5261A>G on transcript NM_005502.4 (MANE Select); coding-DNA position 5261, A replaced by G.
Protein change: p.Tyr1754Cys; replaces tyrosine 1754 with cysteine.
Molecular consequence: missense variant.
Genome position (GRCh38, 1-based): chr9:104,796,174, T>C on the plus strand (A>G on the coding strand, the complement: ABCA1 is on the minus strand). VCF-style: chr9-104796174-T-C. GRCh37 (hg19) VCF-style: chr9-107558455-T-C.
Other names: short protein forms Y1754C.
Identifiers: ClinVar variation 3224765 (VCV003224765.1), dbSNP rs1588218270, ClinGen allele CA374313578.

ClinVar aggregate classification (germline): Uncertain significance (1 of 4 stars; one submission).

Conditions:
Cardiovascular phenotype. Identifiers: MedGen CN230736.

Submission:

Ambry Genetics
Classification: Uncertain significance for Cardiovascular phenotype. Last evaluated: 2023-12-21. Review status: criteria provided, single submitter. Criteria: Ambry Variant Classification Scheme 2023. Collection method: clinical testing. Allele origin: germline.
Comment: The p.Y1754C variant (also known as c.5261A>G), located in coding exon 38 of the ABCA1 gene, results from an A to G substitution at nucleotide position 5261. The tyrosine at codon 1754 is replaced by cysteine, an amino acid with highly dissimilar properties. This amino acid position is conserved. In addition, this alteration is predicted to be deleterious by in silico analysis. Since supporting evidence is limited at this time, the clinical significance of this alteration remains unclear.